The following is an entry in ClinVar:

NM_000368.5(TSC1):c.3099A>C (p.Arg1033Ser)

Gene: TSC1 (TSC complex subunit 1; minus strand). Cytogenetic location: 9q34.13.
Variant type: single nucleotide variant.
Coding change: c.3099A>C on transcript NM_000368.5 (MANE Select); coding-DNA position 3099, A replaced by C.
Protein change: p.Arg1033Ser; replaces arginine 1033 with serine.
Molecular consequence: missense variant.
Genome position (GRCh38, 1-based): chr9:132,896,631, T>G on the plus strand (A>C on the coding strand, the complement: TSC1 is on the minus strand). VCF-style: chr9-132896631-T-G. GRCh37 (hg19) VCF-style: chr9-135772018-T-G.
Other names: c.3096A>C, p.Arg1032Ser (NM_001162426.2); c.2946A>C, p.Arg982Ser (NM_001162427.2); c.2736A>C, p.Arg912Ser (NM_001362177.2); short protein forms R912S, R982S, R1032S, R1033S.
Identifiers: ClinVar variation 956151 (VCV000956151.13), dbSNP rs1015742388, ClinGen allele CA200925649.
Genomic context (GRCh38, chr9:132,896,631, plus strand): 5'-GTGTGGGGGTTTCTCTGGGGTAGAAAGCTCGCTGCTGCTGCTGCTGCTGCCTCCACCACC[T>G]CTGCTTCCACTACTGCCCCGGGCGCTGCTGGGCCTGGGGGTCTTGGTCTCACCGTTGTGG-3'
Protein context (NP_000359.1, residues 1023-1043): PSSARGSSGS[Arg1033Ser]GGGGSSSSSS

ClinVar aggregate classification (germline): Uncertain significance. Review status: criteria provided, multiple submitters, no conflicts (2 of 4 stars). 2 submissions from 2 submitters: Uncertain significance (2). Last evaluated 2024-06-25.

Conditions:
Hereditary cancer-predisposing syndrome. Also called: Hereditary neoplastic syndrome; Tumor predisposition; Neoplastic Syndromes, Hereditary; Hereditary Cancer Syndrome. Identifiers: Orphanet 140162, MedGen C0027672, MeSH D009386, MONDO:0015356.
Tuberous sclerosis 1 (TSC1). Identifiers: Orphanet 805, MedGen C1854465, MONDO:0008612, OMIM 191100.

Allele frequency attached by ClinVar (database versions not stated): gnomAD exomes below 0.00001; gnomAD 0.00001.
gnomAD v4.1: 2 of 1,613,722 alleles (0.00012%); highest among the groups gnomAD compares: Non-Finnish European, 0.00017%; no homozygotes.

Submissions (2):

Ambry Genetics
Classification: Uncertain significance for Hereditary cancer-predisposing syndrome. Last evaluated: 2024-06-25. Review status: criteria provided, single submitter. Criteria: Ambry Variant Classification Scheme 2023. Collection method: clinical testing. Allele origin: germline.
Comment: The p.R1033S variant (also known as c.3099A>C), located in coding exon 21 of the TSC1 gene, results from an A to C substitution at nucleotide position 3099. The arginine at codon 1033 is replaced by serine, an amino acid with dissimilar properties. This amino acid position is well conserved in available vertebrate species. In addition, this alteration is predicted to be tolerated by in silico analysis. Since supporting evidence is limited at this time, the clinical significance of this alteration remains unclear.

Labcorp Genetics (formerly Invitae), Labcorp
Classification: Uncertain significance for Tuberous sclerosis 1. Last evaluated: 2023-12-07. Review status: criteria provided, single submitter. Criteria: Invitae Variant Classification Sherloc (09022015). Collection method: clinical testing. Allele origin: germline.
Comment: This sequence change replaces arginine, which is basic and polar, with serine, which is neutral and polar, at codon 1033 of the TSC1 protein (p.Arg1033Ser). The frequency data for this variant in the population databases is considered unreliable, as metrics indicate poor data quality at this position in the gnomAD database. This variant has not been reported in the literature in individuals affected with TSC1-related conditions. ClinVar contains an entry for this variant (Variation ID: 956151). An algorithm developed to predict the effect of missense changes on protein structure and function (PolyPhen-2) suggests that this variant is likely to be tolerated. In summary, the available evidence is currently insufficient to determine the role of this variant in disease. Therefore, it has been classified as a Variant of Uncertain Significance.